The following is an entry in ClinVar:

NM_001876.4(CPT1A):c.222C>A (p.Tyr74Ter)

Gene: CPT1A (carnitine palmitoyltransferase 1A; minus strand). Cytogenetic location: 11q13.3.
Variant type: single nucleotide variant.
Coding change: c.222C>A on transcript NM_001876.4 (MANE Select); coding-DNA position 222, C replaced by A.
Protein change: p.Tyr74Ter; replaces tyrosine 74 with a stop codon.
Molecular consequence: nonsense.
Genome position (GRCh38, 1-based): chr11:68,812,496, G>T on the plus strand (C>A on the coding strand, the complement: CPT1A is on the minus strand). VCF-style: chr11-68812496-G-T. GRCh37 (hg19) VCF-style: chr11-68579964-G-T.
Other names: c.222C>A, p.Tyr74Ter (NM_001031847.3); short protein forms Y74*.
Identifiers: ClinVar variation 93972 (VCV000093972.16), dbSNP rs398123654, ClinGen allele CA221855.

ClinVar aggregate classification (germline): Pathogenic/Likely pathogenic. Review status: criteria provided, multiple submitters, no conflicts (2 of 4 stars). 5 submissions from 5 submitters: Pathogenic (3); Likely pathogenic (1). 1 of the submissions does not count toward it. Last evaluated 2025-10-14.

Conditions:
Carnitine palmitoyl transferase 1A deficiency. Also called: Carnitine palmitoyltransferase type I deficiency; CPT I DEFICIENCY; CPT DEFICIENCY, HEPATIC, TYPE I; Carnitine palmitoyltransferase 1A deficiency; CPT deficiency, hepatic, type IA. Identifiers: Orphanet 156, MedGen C1829703, MONDO:0009705, OMIM 255120.

Submissions (5):

Natera, Inc.
Classification: Likely pathogenic for Carnitine palmitoyltransferase type I deficiency. Last evaluated: 2025-10-14. Review status: criteria provided, single submitter. Criteria: Natera Variant Classification Schema (03/2026). Collection method: clinical testing. Allele origin: germline.
Comment: The c.222C>A variant in CPT1A is a nonsense variant predicted to introduce a stop codon at amino acid 74. This variant is expected to result in nonsense mediated decay, truncation, or a dysfunctional protein product. This variant is rare in the general population with a frequency below the threshold expected for the associated phenotype(s). Given the available evidence, this variant is classified as Likely Pathogenic.

Labcorp Genetics (formerly Invitae), Labcorp
Classification: Pathogenic for Carnitine palmitoyl transferase 1A deficiency. Last evaluated: 2023-08-21. Review status: criteria provided, single submitter. Criteria: Invitae Variant Classification Sherloc (09022015). Collection method: clinical testing. Allele origin: germline.
Comment: For these reasons, this variant has been classified as Pathogenic. ClinVar contains an entry for this variant (Variation ID: 93972). This variant has not been reported in the literature in individuals affected with CPT1A-related conditions. This variant is not present in population databases (gnomAD no frequency). This sequence change creates a premature translational stop signal (p.Tyr74*) in the CPT1A gene. It is expected to result in an absent or disrupted protein product. Loss-of-function variants in CPT1A are known to be pathogenic (PMID: 16169268).

Baylor Genetics
Classification: Pathogenic for Carnitine palmitoyl transferase 1A deficiency. Last evaluated: 2022-01-02. Review status: criteria provided, single submitter. Criteria: ACMG Guidelines, 2015. Collection method: clinical testing. Allele origin: unknown.

Eurofins Ntd Llc (ga)
Classification: Pathogenic. Last evaluated: 2013-06-05. Review status: criteria provided, single submitter. Criteria: EGL Classification Definitions. Collection method: clinical testing. Allele origin: germline. Observed: 1 variant allele, 1 homozygote.

Counsyl
Classification: Likely pathogenic for Carnitine palmitoyl transferase 1A deficiency. Last evaluated: 2018-04-04. Review status: no assertion criteria provided. Collection method: clinical testing. Allele origin: unknown. Not counted in ClinVar's aggregate classification.

Literature cited by the submitters: PubMed 16169268 (cited by Labcorp Genetics (formerly Invitae), Labcorp).